The following is an entry in ClinVar:

NM_014714.4(IFT140):c.1712dup (p.Ile572fs)

Gene: IFT140 (intraflagellar transport 140; minus strand). Cytogenetic location: 16p13.3.
Variant type: Duplication.
Coding change: c.1712dup on transcript NM_014714.4 (MANE Select); coding-DNA position 1712, one base duplicated (G; older notation c.1712dupG).
Protein change: p.Ile572fs; shifts the reading frame from isoleucine 572.
Molecular consequence: frameshift variant.
Genome position (GRCh38, 1-based): chr16:1,568,275, C duplicated on the plus strand (G on the coding strand, the reverse complement: IFT140 is on the minus strand); the first of 6 consecutive C bases (chr16:1,568,275-1,568,280); duplicating any one gives the same sequence. VCF-style (leftmost placement, unchanged base first): chr16-1568274-G-GC. GRCh37 (hg19) VCF-style: chr16-1618275-G-GC.
Other names: short protein forms I572fs.
Identifiers: ClinVar variation 3616241 (VCV003616241.2).

ClinVar aggregate classification (germline): Pathogenic (1 of 4 stars; one submission).

Conditions:
Saldino-Mainzer syndrome (SRTD9). Also called: CONORENAL SYNDROME; SHORT-RIB THORACIC DYSPLASIA 9 WITHOUT POLYDACTYLY; Renal dysplasia, retinal pigmentary dystrophy, cerebellar ataxia and skeletal dysplasia; short-rib thoracic dysplasia 9 with or without polydactyly. Identifiers: Orphanet 140969, MedGen C1849437, MONDO:0009964, OMIM 266920.

Submission:

Labcorp Genetics (formerly Invitae), Labcorp
Classification: Pathogenic for Saldino-Mainzer syndrome. Last evaluated: 2025-04-16. Review status: criteria provided, single submitter. Criteria: Invitae Variant Classification Sherloc (09022015). Collection method: clinical testing. Allele origin: germline.
Comment: This sequence change creates a premature translational stop signal (p.Ile572Hisfs*21) in the IFT140 gene. It is expected to result in an absent or disrupted protein product. Loss-of-function variants in IFT140 are known to be pathogenic (PMID: 22503633, 23418020, 24009529, 26216056). This variant is present in population databases (rs752356018, gnomAD 0.007%). This variant has not been reported in the literature in individuals affected with IFT140-related conditions. ClinVar contains an entry for this variant (Variation ID: 3616241). For these reasons, this variant has been classified as Pathogenic.

Literature cited by the submitters: PubMed 22503633; PubMed 23418020; PubMed 24009529; PubMed 26216056.